The following is an entry in ClinVar:

NM_000047.3(ARSL):c.1163G>A (p.Arg388His)

Gene: ARSL (arylsulfatase L; minus strand). Cytogenetic location: Xp22.33.
Variant type: single nucleotide variant.
Coding change: c.1163G>A on transcript NM_000047.3 (MANE Select); coding-DNA position 1163, G replaced by A.
Protein change: p.Arg388His; replaces arginine 388 with histidine.
Molecular consequence: missense variant.
Genome position (GRCh38, 1-based): chrX:2,938,221, C>T on the plus strand (G>A on the coding strand, the complement: ARSL is on the minus strand). VCF-style: chrX-2938221-C-T. GRCh37 (hg19) VCF-style: chrX-2856262-C-T.
Other names: c.1238G>A, p.Arg413His (NM_001282628.2, NM_001369080.1); c.1001G>A, p.Arg334His (NM_001282631.2); c.1190G>A, p.Arg397His (NM_001369079.1); c.1163G>A (NM_000047.2); short protein forms R334H, R388H, R397H, R413H.
Identifiers: ClinVar variation 1224384 (VCV001224384.32), dbSNP rs754500316, ClinGen allele CA10338060.

ClinVar aggregate classification (germline): Conflicting classifications of pathogenicity. Review status: criteria provided, conflicting classifications (1 of 4 stars). 4 submissions from 4 submitters: Likely pathogenic (1); Uncertain significance (2); Likely benign (1). Last evaluated 2025-11-19.

Conditions:
Inborn genetic diseases. Identifiers: MedGen C0950123, MeSH D030342.
Chondrodysplasia punctata, brachytelephalangic, autosomal. Also called: BRACHYTELEPHALANGIC CHONDRODYSPLASIA PUNCTATA. Identifiers: MedGen C1844853, MONDO:0011238, OMIM 602497.

Allele frequency attached by ClinVar (database versions not stated): TOPMed 0.00004; ExAC 0.00006; gnomAD 0.00006.

Submissions (4):

Ambry Genetics
Classification: Likely benign for Inborn genetic diseases. Last evaluated: 2025-11-19. Review status: criteria provided, single submitter. Criteria: Ambry Variant Classification Scheme 2023. Collection method: clinical testing. Allele origin: germline.

Labcorp Genetics (formerly Invitae), Labcorp
Classification: Uncertain significance for Chondrodysplasia punctata, brachytelephalangic, autosomal. Last evaluated: 2025-09-22. Review status: criteria provided, single submitter. Criteria: Invitae Variant Classification Sherloc (09022015). Collection method: clinical testing. Allele origin: germline.
Comment: This sequence change replaces arginine, which is basic and polar, with histidine, which is basic and polar, at codon 388 of the ARSE protein (p.Arg388His). This variant is present in population databases (rs754500316, gnomAD 0.01%). This variant has not been reported in the literature in individuals affected with ARSE-related conditions. ClinVar contains an entry for this variant (Variation ID: 1224384). Invitae Evidence Modeling of protein sequence and biophysical properties (such as structural, functional, and spatial information, amino acid conservation, physicochemical variation, residue mobility, and thermodynamic stability) has been performed for this missense variant. However, the output from this modeling did not meet the statistical confidence thresholds required to predict the impact of this variant on ARSE protein function. In summary, the available evidence is currently insufficient to determine the role of this variant in disease. Therefore, it has been classified as a Variant of Uncertain Significance.

Blueprint Genetics
Classification: Uncertain significance. Last evaluated: 2023-06-28. Review status: criteria provided, single submitter. Criteria: ACMG Guidelines, 2015. Collection method: clinical testing. Allele origin: germline.

CeGaT Center for Human Genetics Tuebingen
Classification: Likely pathogenic. Last evaluated: 2023-05-01. Review status: criteria provided, single submitter. Criteria: CeGaT Center For Human Genetics Tuebingen Variant Classification Criteria Version 2. Collection method: clinical testing. Allele origin: germline. Affected: yes. Observed: 1 variant allele.
Comment: ARSL: PM2, PP4:Moderate, PS3:Supporting, PS4:Supporting